The following is an entry in ClinVar:

NM_020297.4(ABCC9):c.407-14C>A

Gene: ABCC9 (ATP binding cassette subfamily C member 9; minus strand). Cytogenetic location: 12p12.1.
Variant type: single nucleotide variant.
Coding change: c.407-14C>A on transcript NM_020297.4 (MANE Select); 14 bases into the intron before coding-DNA position 407, C replaced by A.
Molecular consequence: intron variant.
Genome position (GRCh38, 1-based): chr12:21,917,117, G>T on the plus strand (C>A on the coding strand, the complement: ABCC9 is on the minus strand). VCF-style: chr12-21917117-G-T. GRCh37 (hg19) VCF-style: chr12-22070051-G-T.
Other names: c.-48-4051C>A (NM_001377274.1); c.407-14C>A (NM_005691.4, NM_001377273.1).
Identifiers: ClinVar variation 45412 (VCV000045412.37), dbSNP rs201279882, ClinGen allele CA282559.

ClinVar aggregate classification (germline): Conflicting classifications of pathogenicity. Review status: criteria provided, conflicting classifications (1 of 4 stars). 14 submissions from 13 submitters: Uncertain significance (1); Benign (5); Likely benign (3). 5 of the submissions do not count toward it. Last evaluated 2026-02-04.

Conditions:
Arrhythmogenic right ventricular cardiomyopathy (ARVD). Also called: Cardiomyopathy, ARVC; Arrhythmogenic Right Ventricular Cardiomyopathy (ARVC); Arrhythmogenic right ventricular dysplasia; Arrhythmogenic cardiomyopathy. Identifiers: Orphanet 247, MedGen C0349788, MeSH D019571, MONDO:0016587. Disease mechanism: loss of function. Inheritance: Various modes of inheritance.
Hypertrichotic osteochondrodysplasia Cantu type. Also called: Cantu Syndrome; Cantú Syndrome. Identifiers: Orphanet 1517, MedGen C0795905, MONDO:0009406, OMIM 239850.
Dilated cardiomyopathy 1O (CMD1O). Also called: CARDIOMYOPATHY, DILATED, WITH VENTRICULAR TACHYCARDIA. Identifiers: Orphanet 154, MedGen C1837839, MONDO:0012062, OMIM 608569.

Allele frequency attached by ClinVar (database versions not stated): 1000 Genomes Project 30x 0.00062; 1000 Genomes Project 0.00080; TOPMed 0.00241; gnomAD 0.00248 and 0.00255; ESP Exome Variant Server 0.00284; ExAC 0.00313.
gnomAD v4.1: 6,169 of 1,612,250 alleles (0.38%); highest among the groups gnomAD compares: South Asian, 0.51%; 13 homozygotes.

Submissions (16):

Labcorp Genetics (formerly Invitae), Labcorp
Classification: Benign for Dilated cardiomyopathy 1O. Last evaluated: 2026-02-04. Review status: criteria provided, single submitter. Criteria: Invitae Variant Classification Sherloc (09022015). Collection method: clinical testing. Allele origin: germline.

ARUP Laboratories, Molecular Genetics and Genomics, ARUP Laboratories
Classification: Benign. Last evaluated: 2025-01-29. Review status: criteria provided, single submitter. Criteria: ARUP Molecular Germline Variant Investigation Process 2024. Collection method: clinical testing. Allele origin: germline.

Blueprint Genetics
Classification: Likely benign. Last evaluated: 2024-11-27. Review status: criteria provided, single submitter. Criteria: ACMG Guidelines, 2015. Collection method: clinical testing. Allele origin: germline.

Women's Health and Genetics/Laboratory Corporation of America, LabCorp
Classification: Benign. Last evaluated: 2021-02-15. Review status: criteria provided, single submitter. Criteria: LabCorp Variant Classification Summary - May 2015. Collection method: clinical testing. Allele origin: germline.
Comment: Variant summary: ABCC9 c.407-14C>A alters a non-conserved nucleotide located close to a canonical splice site and therefore could affect mRNA splicing, leading to a significantly altered protein sequence. 4/4 computational tools predict no significant impact on normal splicing. However, these predictions have yet to be confirmed by functional studies. The variant allele was found at a frequency of 0.0031 in 250376 control chromosomes, predominantly at a frequency of 0.0048 within the South Asian subpopulation in the gnomAD database. The observed variant frequency within South Asian control individuals in the gnomAD database is approximately 307 fold of the estimated maximal expected allele frequency for a pathogenic variant in ABCC9 causing Dilated Cardiomyopathy phenotype (1.6e-05), strongly suggesting that the variant is a benign polymorphism found primarily in populations of South Asian origin. c.407-14C>A has been reported in the literature in individuals with dilated cardiomyopathy along with other possible pathogenic/likely pathogenic/uncertain significance variants (Pugh_2014). This reports however, does not provide unequivocal conclusions about association of the variant with Dilated Cardiomyopathy. To our knowledge, no experimental evidence demonstrating an impact on protein function has been reported. Four ClinVar submitters (evaluation after 2014) cite the variant as likely benign/benign. Based on the evidence outlined above, the variant was classified as benign.

Center for Advanced Laboratory Medicine, UC San Diego Health, University of California San Diego
Classification: Benign for Arrhythmogenic right ventricular cardiomyopathy. Last evaluated: 2019-03-25. Review status: criteria provided, single submitter. Criteria: ACMG Guidelines, 2015. Collection method: clinical testing. Allele origin: germline. Affected: yes. Observed: 1 variant allele.

Illumina Laboratory Services, Illumina
Classification: Uncertain significance for Dilated cardiomyopathy 1O. Last evaluated: 2018-01-12. Review status: criteria provided, single submitter. Criteria: ICSL Variant Classification Criteria 13 December 2019. Collection method: clinical testing. Allele origin: germline.

Illumina Laboratory Services, Illumina
Classification: Likely benign for Hypertrichotic osteochondrodysplasia Cantu type. Last evaluated: 2018-01-12. Review status: criteria provided, single submitter. Criteria: ICSL Variant Classification Criteria 13 December 2019. Collection method: clinical testing. Allele origin: germline.
Comment: This variant was observed in the ICSL laboratory as part of a predisposition screen in an ostensibly healthy population. It had not been previously curated by ICSL or reported in the Human Gene Mutation Database (HGMD: prior to June 1st, 2018), and was therefore a candidate for classification through an automated scoring system. Utilizing variant allele frequency, disease prevalence and penetrance estimates, and inheritance mode, an automated score was calculated to assess if this variant is too frequent to cause the disease. Based on the score and internal cut-off values, a variant classified as likely benign is not then subjected to further curation. The score for this variant resulted in a classification of likely benign for this disease.

GeneDx
Classification: Benign. Last evaluated: 2014-04-07. Review status: criteria provided, single submitter. Criteria: GeneDx Variant Classification (06012015). Collection method: clinical testing. Allele origin: germline. Affected: yes.
Comment: This variant is considered likely benign or benign based on one or more of the following criteria: it is a conservative change, it occurs at a poorly conserved position in the protein, it is predicted to be benign by multiple in silico algorithms, and/or has population frequency not consistent with disease.

Laboratory for Molecular Medicine, Mass General Brigham Personalized Medicine
Classification: Likely benign. Last evaluated: 2012-05-10. Review status: criteria provided, single submitter. Criteria: LMM Criteria. Collection method: clinical testing. Allele origin: germline. Observed: 13 variant alleles.
Comment: c.407-14C>A in intron 3 of ABCC9: This variant is not expected to have clinical significance because it has been identified in 0.5% (32/7020) of European Americ an chromosomes from a broad population by the NHLBI Exome Sequencing Project.

Clinical Genetics DNA and cytogenetics Diagnostics Lab, Erasmus MC, Erasmus Medical Center
Classification: Benign. Review status: no assertion criteria provided. Collection method: clinical testing. Allele origin: germline. Affected: yes. Study: VKGL Data-share Consensus. Not counted in ClinVar's aggregate classification.

Clinical Genetics, Academic Medical Center
Classification: Benign. Review status: no assertion criteria provided. Collection method: clinical testing. Allele origin: germline. Affected: yes. Study: VKGL Data-share Consensus. Not counted in ClinVar's aggregate classification.

Diagnostic Laboratory, Department of Genetics, University Medical Center Groningen
Classification: Likely benign. Review status: no assertion criteria provided. Collection method: clinical testing. Allele origin: germline. Affected: yes. Study: VKGL Data-share Consensus. Not counted in ClinVar's aggregate classification.

Dr. Peter K. Rogan Lab, Western University
No classification provided (evidence only). Condition: Sarcoma. Review status: no classification provided. Collection method: in vitro. Allele origin: not applicable. Functional consequence: retained intron. Not counted in ClinVar's aggregate classification.

Dr. Peter K. Rogan Lab, Western University
No classification provided (evidence only). Condition: Malignant tumor of esophagus. Review status: no classification provided. Collection method: in vitro. Allele origin: not applicable. Functional consequence: retained intron. Not counted in ClinVar's aggregate classification.

Genome Diagnostics Laboratory, University Medical Center Utrecht
Classification: Benign. Review status: no assertion criteria provided. Collection method: clinical testing. Allele origin: germline. Affected: yes. Study: VKGL Data-share Consensus. Not counted in ClinVar's aggregate classification.

Joint Genome Diagnostic Labs from Nijmegen and Maastricht, Radboudumc and MUMC+
Classification: Benign. Review status: no assertion criteria provided. Collection method: clinical testing. Allele origin: germline. Affected: yes. Study: VKGL Data-share Consensus. Not counted in ClinVar's aggregate classification.

Literature cited by the submitters: PubMed 24503780 (cited by Women's Health and Genetics/Laboratory Corporation of America, LabCorp); PubMed 20890277 (cited by Laboratory for Molecular Medicine, Mass General Brigham Personalized Medicine).